The following is an entry in ClinVar:

ClinVar aggregate classification (germline): Uncertain significance. Review status: criteria provided, multiple submitters, no conflicts (2 of 4 stars). 3 submissions from 3 submitters: Uncertain significance (3). Last evaluated 2025-12-10.

Conditions:
Hereditary cancer-predisposing syndrome. Also called: Hereditary neoplastic syndrome; Hereditary Cancer Syndrome; Neoplastic Syndromes, Hereditary; Tumor predisposition. Identifiers: Orphanet 140162, MedGen C0027672, MeSH D009386, MONDO:0015356.

Allele frequency attached by ClinVar (database versions not stated): gnomAD exomes below 0.00001 and 0.00002; ExAC 0.00002.
gnomAD v4.1: 7 of 1,613,126 alleles (0.00043%); highest among the groups gnomAD compares: South Asian, 0.0044%; no homozygotes.

Submissions (3):

Labcorp Genetics (formerly Invitae), Labcorp
Classification: Uncertain significance. Last evaluated: 2025-12-10. Review status: criteria provided, single submitter. Criteria: Invitae Variant Classification Sherloc (09022015). Collection method: clinical testing. Allele origin: germline.
Comment: This sequence change replaces glycine, which is neutral and non-polar, with tryptophan, which is neutral and slightly polar, at codon 46 of the CTNNA1 protein (p.Gly46Trp). This variant is present in population databases (rs751978245, gnomAD 0.02%). This variant has not been reported in the literature in individuals affected with CTNNA1-related conditions. ClinVar contains an entry for this variant (Variation ID: 934020). An algorithm developed to predict the effect of missense changes on protein structure and function (PolyPhen-2) suggests that this variant is likely to be disruptive. In summary, the available evidence is currently insufficient to determine the role of this variant in disease. Therefore, it has been classified as a Variant of Uncertain Significance.

Ambry Genetics
Classification: Uncertain significance for Hereditary cancer-predisposing syndrome. Last evaluated: 2025-06-07. Review status: criteria provided, single submitter. Criteria: Ambry Variant Classification Scheme 2023. Collection method: clinical testing. Allele origin: germline.

Blueprint Genetics
Classification: Uncertain significance. Last evaluated: 2021-08-25. Review status: criteria provided, single submitter. Criteria: ACMG Guidelines, 2015. Collection method: clinical testing. Allele origin: germline.

NM_001903.5(CTNNA1):c.136G>T (p.Gly46Trp)

Gene: CTNNA1 (catenin alpha 1; plus strand). Cytogenetic location: 5q31.2.
Variant type: single nucleotide variant.
Coding change: c.136G>T on transcript NM_001903.5 (MANE Select); coding-DNA position 136, G replaced by T.
Protein change: p.Gly46Trp; replaces glycine 46 with tryptophan.
Molecular consequence: missense variant. On other transcripts: 5 prime UTR variant (1), intron variant (1).
Genome position (GRCh38, 1-based): chr5:138,783,207, G>T. VCF-style: chr5-138783207-G-T. GRCh37 (hg19) VCF-style: chr5-138118896-G-T.
Other names: c.136G>T, p.Gly46Trp (NM_001290307.3, NM_001323982.2, NM_001323983.1 and 3 more transcripts); c.-71G>T (NM_001290310.3); c.-9+1178G>T (NM_001290309.3); short protein forms G46W.
Identifiers: ClinVar variation 934020 (VCV000934020.14), dbSNP rs751978245, ClinGen allele CA3431364.